The following is an entry in ClinVar:

ClinVar aggregate classification (germline): Uncertain significance (1 of 4 stars; one submission).

Conditions:
Optic atrophy 3 (OPA3). Also called: OPTIC ATROPHY 3, AUTOSOMAL DOMINANT; Optic atrophy, cataract, and neurologic disorder; Optic atrophy 3 with cataract. Identifiers: Orphanet 67036, MedGen C1833809, MONDO:0008133, OMIM 165300.
3-Methylglutaconic aciduria type 3 (MGCA3). Also called: OPA3, AUTOSOMAL RECESSIVE; OPTIC ATROPHY 3, AUTOSOMAL RECESSIVE; Costeff Syndrome; OPA3-Related 3-Methylglutaconic Aciduria. Identifiers: Orphanet 67047, MedGen C0574084, MONDO:0009787, OMIM 258501.

Submission:

Labcorp Genetics (formerly Invitae), Labcorp
Classification: Uncertain significance for 3-Methylglutaconic aciduria type 3; Optic atrophy 3. Last evaluated: 2025-04-22. Review status: criteria provided, single submitter. Criteria: Invitae Variant Classification Sherloc (09022015). Collection method: clinical testing. Allele origin: germline.
Comment: This sequence change replaces glycine, which is neutral and non-polar, with cysteine, which is neutral and slightly polar, at codon 167 of the OPA3 protein (p.Gly167Cys). This variant is not present in population databases (gnomAD no frequency). This variant has not been reported in the literature in individuals affected with OPA3-related conditions. An algorithm developed to predict the effect of missense changes on protein structure and function (PolyPhen-2) suggests that this variant is likely to be tolerated. In summary, the available evidence is currently insufficient to determine the role of this variant in disease. Therefore, it has been classified as a Variant of Uncertain Significance.

NM_025136.4(OPA3):c.499G>T (p.Gly167Cys)

Genes: OPA3 (outer mitochondrial membrane lipid metabolism regulator OPA3; minus strand), OPA3-RTN2 (OPA3-RTN2 readthrough; minus strand). Cytogenetic location: 19q13.32.
Variant type: single nucleotide variant.
Coding change: c.499G>T on transcript NM_025136.4 (MANE Select); coding-DNA position 499, G replaced by T.
Protein change: p.Gly167Cys; replaces glycine 167 with cysteine.
Molecular consequence: missense variant. On other transcripts: intron variant (1).
Genome position (GRCh38, 1-based): chr19:45,553,555, C>A on the plus strand (G>T on the coding strand, the complement: OPA3 is on the minus strand). VCF-style: chr19-45553555-C-A. GRCh37 (hg19) VCF-style: chr19-46056813-C-A.
Other names: c.143-24099G>T (NM_001017989.3); short protein forms G167C.
Identifiers: ClinVar variation 4784806 (VCV004784806.1).